The following is an entry in ClinVar:

NM_021927.3(GUF1):c.669+4A>G

Gene: GUF1 (GTP binding elongation factor GUF1; plus strand). Cytogenetic location: 4p12.
Variant type: single nucleotide variant.
Coding change: c.669+4A>G on transcript NM_021927.3 (MANE Select); 4 bases into the intron after coding-DNA position 669, A replaced by G.
Molecular consequence: intron variant.
Genome position (GRCh38, 1-based): chr4:44,683,322, A>G. VCF-style: chr4-44683322-A-G. GRCh37 (hg19) VCF-style: chr4-44685339-A-G.
Other names: c.669+4A>G (NM_001345868.2); c.-304+4A>G (NM_001345867.2, NM_001345869.2).
Identifiers: ClinVar variation 1406701 (VCV001406701.6), dbSNP rs892295501, ClinGen allele CA96516015.

ClinVar aggregate classification (germline): Uncertain significance (1 of 4 stars; one submission).

Allele frequency attached by ClinVar (database versions not stated): gnomAD 0.00001.

Submission:

Labcorp Genetics (formerly Invitae), Labcorp
Classification: Uncertain significance. Last evaluated: 2023-12-11. Review status: criteria provided, single submitter. Criteria: Invitae Variant Classification Sherloc (09022015). Collection method: clinical testing. Allele origin: germline.
Comment: This sequence change falls in intron 6 of the GUF1 gene. It does not directly change the encoded amino acid sequence of the GUF1 protein. It affects a nucleotide within the consensus splice site. This variant is present in population databases (no rsID available, gnomAD 0.01%). This variant has not been reported in the literature in individuals affected with GUF1-related conditions. ClinVar contains an entry for this variant (Variation ID: 1406701). Variants that disrupt the consensus splice site are a relatively common cause of aberrant splicing (PMID: 17576681, 9536098). Algorithms developed to predict the effect of sequence changes on RNA splicing suggest that this variant is not likely to affect RNA splicing. In summary, the available evidence is currently insufficient to determine the role of this variant in disease. Therefore, it has been classified as a Variant of Uncertain Significance.

Literature cited by the submitters: PubMed 17576681; PubMed 9536098.